The following is an entry in ClinVar:

NM_002633.3(PGM1):c.878G>A (p.Arg293Gln)

Gene: PGM1 (phosphoglucomutase 1; plus strand). Cytogenetic location: 1p31.3.
Variant type: single nucleotide variant.
Coding change: c.878G>A on transcript NM_002633.3 (MANE Select); coding-DNA position 878, G replaced by A.
Protein change: p.Arg293Gln; replaces arginine 293 with glutamine.
Molecular consequence: missense variant.
Genome position (GRCh38, 1-based): chr1:63,636,238, G>A. VCF-style: chr1-63636238-G-A. GRCh37 (hg19) VCF-style: chr1-64101909-G-A.
Other names: c.932G>A, p.Arg311Gln (NM_001172818.1); c.287G>A, p.Arg96Gln (NM_001172819.2); short protein forms R293Q, R311Q, R96Q.
Identifiers: ClinVar variation 985939 (VCV000985939.6), dbSNP rs1466885233, ClinGen allele CA340635358.
Genomic context (GRCh38, chr1:63,636,238, plus strand): 5'-TTGATTTCTTATAGTTTGATTAAAAGGTCTTTCTTTGATCCTCTCTTCTCCCCAAGGATC[G>A]AAACATGATTCTGGGCAAGCATGGGTTCTTTGTGAACCCTTCAGACTCTGTGGCTGTCAT-3'
Protein context (NP_002624.2, residues 283-303): FGAAFDGDGD[Arg293Gln]NMILGKHGFF

ClinVar aggregate classification (germline): Conflicting classifications of pathogenicity. Review status: criteria provided, conflicting classifications (1 of 4 stars). 3 submissions from 3 submitters: Likely pathogenic (2); Uncertain significance (1). Last evaluated 2025-05-08.

Conditions:
Inborn genetic diseases. Identifiers: MedGen C0950123, MeSH D030342.
PGM1-congenital disorder of glycosylation. Also called: CDG It; PHOSPHOGLUCOMUTASE 1 DEFICIENCY; PGM1 DEFICIENCY; GLYCOGEN STORAGE DISEASE XIV; Congenital disorder of glycosylation type 1t; GSD XIV. Identifiers: Orphanet 319646, MedGen C2752015, MONDO:0013968, OMIM 614921.

Allele frequency attached by ClinVar (database versions not stated): TOPMed below 0.00001; gnomAD 0.00001; gnomAD exomes 0.00001.
gnomAD v4.1: 11 of 1,613,838 alleles (0.00068%); highest among the groups gnomAD compares: Admixed American, 0.0033%; no homozygotes.

Submissions (3):

Variantyx, Inc.
Classification: Likely pathogenic for PGM1-congenital disorder of glycosylation. Last evaluated: 2025-05-08. Review status: criteria provided, single submitter. Criteria: Variantyx Assertion Criteria 2022. Collection method: clinical testing. Allele origin: germline. Inheritance: Autosomal recessive inheritance. Affected: yes.
Comment: This is a nonsynonymous variant in the PGM1 gene (OMIM: 171900). Multiple computational algorithms predict a deleterious effect for this variant (REVEL score: 0.915) (PP3). This variant has a 0.0033% maximum allele frequency in non-founder control populations (PM2). Based on the current evidence, this variant is classified as likely pathogenic for autosomal recessive congenital disorder of glycosylation, type It.

Labcorp Genetics (formerly Invitae), Labcorp
Classification: Uncertain significance for PGM1-congenital disorder of glycosylation. Last evaluated: 2022-06-08. Review status: criteria provided, single submitter. Criteria: Invitae Variant Classification Sherloc (09022015). Collection method: clinical testing. Allele origin: germline.
Comment: This sequence change replaces arginine, which is basic and polar, with glutamine, which is neutral and polar, at codon 293 of the PGM1 protein (p.Arg293Gln). This variant is present in population databases (no rsID available, gnomAD 0.006%). This variant has not been reported in the literature in individuals affected with PGM1-related conditions. ClinVar contains an entry for this variant (Variation ID: 985939). Algorithms developed to predict the effect of missense changes on protein structure and function are either unavailable or do not agree on the potential impact of this missense change (SIFT: "Deleterious"; PolyPhen-2: "Benign"; Align-GVGD: "Class C35"). In summary, the available evidence is currently insufficient to determine the role of this variant in disease. Therefore, it has been classified as a Variant of Uncertain Significance.

Ambry Genetics
Classification: Likely pathogenic for Inborn genetic diseases. Last evaluated: 2018-09-06. Review status: criteria provided, single submitter. Criteria: Ambry exome assertion method (8-5-2015). Collection method: clinical testing. Allele origin: germline. Affected: yes. Observed: 1 variant allele.

Literature cited by the submitters: PubMed 19625727 (cited by Variantyx, Inc.); PubMed 28117557 (cited by Ambry Genetics); PubMed 24499211 (cited by Ambry Genetics); PubMed 30122451 (cited by Ambry Genetics).